The following is an entry in ClinVar:

ClinVar aggregate classification (germline): Likely pathogenic (1 of 4 stars; one submission).

Conditions:
Pyruvate carboxylase deficiency. Also called: ATAXIA WITH LACTIC ACIDOSIS II; LEIGH NECROTIZING ENCEPHALOPATHY DUE TO PYRUVATE CARBOXYLASE DEFICIENCY; LEIGH SYNDROME DUE TO PYRUVATE CARBOXYLASE DEFICIENCY; PC DEFICIENCY; Pyruvate Carboxylase Deficiency Disease. Identifiers: Orphanet 3008, MedGen C0034341, MONDO:0009949, OMIM 266150.

Submission:

Myriad Genetics, Inc.
Classification: Likely pathogenic for Pyruvate carboxylase deficiency. Last evaluated: 2021-12-17. Review status: criteria provided, single submitter. Criteria: Myriad Women's Health Autosomal Recessive and X-Linked Classification Criteria (2021). Collection method: clinical testing. Allele origin: unknown.
Comment: NM_000920.3(PC):c.1536_1537insG(T513Dfs*39) is expected to be pathogenic in the context of pyruvate carboxylase deficiency. This variant is predicted to lead to an abnormal or absent protein product due to the creation of a premature termination codon in PC, a gene where loss-of-function variants are known to be pathogenic. Please note: this variant was assessed in the context of healthy population screening.

NM_001040716.2(PC):c.1536_1537insG (p.Thr513fs)

Gene: PC (pyruvate carboxylase; minus strand). Cytogenetic location: 11q13.2.
Variant type: Insertion.
Coding change: c.1536_1537insG on transcript NM_001040716.2 (MANE Select); coding-DNA positions 1536 to 1537, G inserted.
Protein change: p.Thr513fs; shifts the reading frame from threonine 513.
Molecular consequence: frameshift variant.
Genome position: GRCh38 VCF-style: chr11-66852813-T-TC. GRCh37 (hg19) VCF-style: chr11-66620284-T-TC.
Other names: c.1536_1537insG, p.Thr513fs (NM_000920.4, NM_022172.3); short protein forms T513fs.
Identifiers: ClinVar variation 1726493 (VCV001726493.2), dbSNP rs2495496043, ClinGen allele CA2580084620.